The following is an entry in ClinVar:

NM_001148.6(ANK2):c.8137G>T (p.Val2713Phe)

Gene: ANK2 (ankyrin 2; plus strand). Cytogenetic location: 4q26.
Variant type: single nucleotide variant.
Coding change: c.8137G>T on transcript NM_001148.6 (MANE Select); coding-DNA position 8137, G replaced by T.
Protein change: p.Val2713Phe; replaces valine 2713 with phenylalanine.
Molecular consequence: missense variant. On other transcripts: intron variant (68).
Genome position (GRCh38, 1-based): chr4:113,356,755, G>T. VCF-style: chr4-113356755-G-T. GRCh37 (hg19) VCF-style: chr4-114277911-G-T.
Other names: c.7903G>T, p.Val2635Phe (NM_001386142.1); c.4537G>T, p.Val1513Phe (NM_001386166.1); c.8278G>T, p.Val2760Phe (NM_001386174.1); c.8254G>T, p.Val2752Phe (NM_001386175.1); c.4412-4068G>T (NM_001386186.2, NM_001386148.2); c.4214-4068G>T (NM_001354269.3); c.4292-4068G>T (NM_001386187.2); c.4253-4068G>T (NM_001386147.1); and 35 more; short protein forms V2713F, V1513F, V2635F, V2752F, V2760F.
Identifiers: ClinVar variation 900438 (VCV000900438.11), dbSNP rs774978146, ClinGen allele CA3051717.

ClinVar aggregate classification (germline): Uncertain significance. Review status: criteria provided, multiple submitters, no conflicts (2 of 4 stars). 3 submissions from 3 submitters: Uncertain significance (3). Last evaluated 2021-07-20.

Conditions:
Cardiac arrhythmia, ankyrin-B-related. Also called: ANKYRIN-B SYNDROME. Identifiers: Orphanet 101016, Orphanet 768, MedGen C1970119, MONDO:0010958, OMIM 600919.
Long QT syndrome (LQTS). Identifiers: MedGen C0023976, MeSH D008133, MONDO:0002442. Disease mechanism: loss of function. Inheritance: Various modes of inheritance.

Allele frequency attached by ClinVar (database versions not stated): TOPMed below 0.00001; gnomAD exomes 0.00001; ExAC 0.00002.
gnomAD v4.1: 14 of 1,614,106 alleles (0.00087%); highest among the groups gnomAD compares: Non-Finnish European, 0.0011%; no homozygotes.

Submissions (3):

Fulgent Genetics
Classification: Uncertain significance for Cardiac arrhythmia, ankyrin-B-related. Last evaluated: 2021-07-20. Review status: criteria provided, single submitter. Criteria: ACMG Guidelines, 2015. Collection method: clinical testing. Allele origin: unknown.

Labcorp Genetics (formerly Invitae), Labcorp
Classification: Uncertain significance for Long QT syndrome. Last evaluated: 2019-05-20. Review status: criteria provided, single submitter. Criteria: Invitae Variant Classification Sherloc (09022015). Collection method: clinical testing. Allele origin: germline.
Comment: In summary, the available evidence is currently insufficient to determine the role of this variant in disease. Therefore, it has been classified as a Variant of Uncertain Significance. Algorithms developed to predict the effect of missense changes on protein structure and function are either unavailable or do not agree on the potential impact of this missense change (SIFT: "Deleterious"; PolyPhen-2: "Benign"; Align-GVGD: "Class C0"). This variant has not been reported in the literature in individuals with ANK2-related conditions. This variant is present in population databases (rs774978146, ExAC 0.003%). This sequence change replaces valine with phenylalanine at codon 2713 of the ANK2 protein (p.Val2713Phe). The valine residue is weakly conserved and there is a small physicochemical difference between valine and phenylalanine.

Illumina Laboratory Services, Illumina
Classification: Uncertain significance for Cardiac arrhythmia, ankyrin-B-related. Last evaluated: 2018-01-12. Review status: criteria provided, single submitter. Criteria: ICSL Variant Classification Criteria 13 December 2019. Collection method: clinical testing. Allele origin: germline.